The following is an entry in ClinVar:

NM_001040142.2(SCN2A):c.5962A>G (p.Lys1988Glu)

Gene: SCN2A (sodium voltage-gated channel alpha subunit 2; plus strand). Cytogenetic location: 2q24.3.
Variant type: single nucleotide variant.
Coding change: c.5962A>G on transcript NM_001040142.2 (MANE Select); coding-DNA position 5962, A replaced by G.
Protein change: p.Lys1988Glu; replaces lysine 1988 with glutamic acid.
Molecular consequence: missense variant.
Genome position (GRCh38, 1-based): chr2:165,389,768, A>G. VCF-style: chr2-165389768-A-G. GRCh37 (hg19) VCF-style: chr2-166246278-A-G.
Other names: c.5962A>G, p.Lys1988Glu (NM_001040143.2, NM_001371246.1, NM_001371247.1 and 1 more transcripts); short protein forms K1988E.
Identifiers: ClinVar variation 1515293 (VCV001515293.8), dbSNP rs1553463946, ClinGen allele CA349041765.

ClinVar aggregate classification (germline): Uncertain significance (1 of 4 stars; one submission).

Conditions:
Seizures, benign familial infantile, 3 (BFIS3). Also called: Familial neonatal seizures; CONVULSIONS, BENIGN FAMILIAL INFANTILE, 3. Identifiers: Orphanet 140927, Orphanet 306, MedGen C1843140, MONDO:0011904, OMIM 607745.
Developmental and epileptic encephalopathy, 11 (DEE11). Also called: Early infantile epileptic encephalopathy 11. Identifiers: Orphanet 1934, MedGen C3150987, MONDO:0013388, OMIM 613721.

Submission:

Labcorp Genetics (formerly Invitae), Labcorp
Classification: Uncertain significance for Seizures, benign familial infantile, 3; Developmental and epileptic encephalopathy, 11. Last evaluated: 2022-09-27. Review status: criteria provided, single submitter. Criteria: Invitae Variant Classification Sherloc (09022015). Collection method: clinical testing. Allele origin: germline.
Comment: In summary, the available evidence is currently insufficient to determine the role of this variant in disease. Therefore, it has been classified as a Variant of Uncertain Significance. Algorithms developed to predict the effect of missense changes on protein structure and function (SIFT, PolyPhen-2, Align-GVGD) all suggest that this variant is likely to be tolerated. ClinVar contains an entry for this variant (Variation ID: 1515293). This variant has not been reported in the literature in individuals affected with SCN2A-related conditions. This variant is not present in population databases (gnomAD no frequency). This sequence change replaces lysine, which is basic and polar, with glutamic acid, which is acidic and polar, at codon 1988 of the SCN2A protein (p.Lys1988Glu).